The following is an entry in ClinVar:

ClinVar aggregate classification (germline): Uncertain significance. Review status: criteria provided, multiple submitters, no conflicts (2 of 4 stars). 2 submissions from 2 submitters: Uncertain significance (2). Last evaluated 2024-03-06.

Conditions:
Hereditary cancer-predisposing syndrome. Also called: Neoplastic Syndromes, Hereditary; Tumor predisposition; Hereditary neoplastic syndrome; Hereditary Cancer Syndrome. Identifiers: Orphanet 140162, MedGen C0027672, MeSH D009386, MONDO:0015356.

Submissions (2):

Color Diagnostics, LLC DBA Color Health
Classification: Uncertain significance for Hereditary cancer-predisposing syndrome. Last evaluated: 2024-03-06. Review status: criteria provided, single submitter. Criteria: ACMG Guidelines, 2015. Collection method: clinical testing. Allele origin: germline.
Comment: This missense variant replaces aspartic acid with glycine at codon 2566 of the BRCA2 protein. Computational prediction suggests that this variant may have deleterious impact on protein structure and function (internally defined REVEL score threshold >= 0.7, PMID: 27666373). To our knowledge, functional studies have not been reported for this variant. This variant has not been reported in individuals affected with hereditary cancer in the literature. This variant has not been identified in the general population by the Genome Aggregation Database (gnomAD). The available evidence is insufficient to determine the role of this variant in disease conclusively. Therefore, this variant is classified as a Variant of Uncertain Significance.

Blueprint Genetics
Classification: Uncertain significance. Last evaluated: 2022-12-26. Review status: criteria provided, single submitter. Criteria: ACMG Guidelines, 2015. Collection method: clinical testing. Allele origin: germline.

NM_000059.4(BRCA2):c.7697A>G (p.Asp2566Gly)

Gene: BRCA2 (BRCA2 DNA repair associated; plus strand). Cytogenetic location: 13q13.1.
Variant type: single nucleotide variant.
Coding change: c.7697A>G on transcript NM_000059.4 (MANE Select); coding-DNA position 7697, A replaced by G.
Protein change: p.Asp2566Gly; replaces aspartic acid 2566 with glycine.
Molecular consequence: missense variant. On other transcripts: non-coding transcript variant (1).
Genome position (GRCh38, 1-based): chr13:32,357,821, A>G. VCF-style: chr13-32357821-A-G. GRCh37 (hg19) VCF-style: chr13-32931958-A-G.
Other names: c.7601A>G, p.Asp2534Gly (NM_001406719.1); c.7697A>G, p.Asp2566Gly (NM_001406720.1); c.2765A>G, p.Asp922Gly (NM_001406721.1); c.1280A>G, p.Asp427Gly (NM_001406722.1); short protein forms D2566G, D427G, D2534G, D922G.
Identifiers: ClinVar variation 2774947 (VCV002774947.3), dbSNP rs2548542568, ClinGen allele CA387745220.